The following is an entry in ClinVar:

ClinVar aggregate classification (germline): Conflicting classifications of pathogenicity. Review status: criteria provided, conflicting classifications (1 of 4 stars). 2 submissions from 2 submitters: Uncertain significance (1); Likely benign (1). Last evaluated 2026-06-03.

Conditions:
Rubinstein-Taybi syndrome (RSTS). Identifiers: Orphanet 783, MedGen C0035934, MONDO:0019188.
CREBBP-related disorder. Also called: CREBBP-related condition; CREBBP-related disorders.

gnomAD v4.1: 2 of 1,614,234 alleles (0.00012%); highest among the groups gnomAD compares: Admixed American, 0.0033%; no homozygotes.

Submissions (2):

PreventionGenetics, part of Exact Sciences
Classification: Uncertain significance for CREBBP-related condition. Last evaluated: 2026-06-03. Review status: criteria provided, single submitter. Criteria: ACMG Guidelines, 2015. Collection method: clinical testing. Allele origin: germline.
Comment: The CREBBP c.2056C>A variant is predicted to result in the amino acid substitution p.Pro686Thr. To our knowledge, this variant has not been reported in the literature. This variant is reported in 0.0058% of alleles in individuals of Latino descent in gnomAD. At this time, the clinical significance of this variant is uncertain due to the absence of conclusive functional and genetic evidence.

Labcorp Genetics (formerly Invitae), Labcorp
Classification: Likely benign for Rubinstein-Taybi syndrome. Last evaluated: 2025-03-15. Review status: criteria provided, single submitter. Criteria: Invitae Variant Classification Sherloc (09022015). Collection method: clinical testing. Allele origin: germline.

NM_004380.3(CREBBP):c.2056C>A (p.Pro686Thr)

Gene: CREBBP (CREB binding lysine acetyltransferase; minus strand). Cytogenetic location: 16p13.3.
Variant type: single nucleotide variant.
Coding change: c.2056C>A on transcript NM_004380.3 (MANE Select); coding-DNA position 2056, C replaced by A.
Protein change: p.Pro686Thr; replaces proline 686 with threonine.
Molecular consequence: missense variant.
Genome position (GRCh38, 1-based): chr16:3,778,068, G>T on the plus strand (C>A on the coding strand, the complement: CREBBP is on the minus strand). VCF-style: chr16-3778068-G-T. GRCh37 (hg19) VCF-style: chr16-3828069-G-T.
Other names: c.1942C>A, p.Pro648Thr (NM_001079846.1); c.2056C>A (NM_004380.2); short protein forms P686T, P648T.
Identifiers: ClinVar variation 2957133 (VCV002957133.4), dbSNP rs763996233, ClinGen allele CA7870289.
Genomic context (GRCh38, chr16:3,778,068, plus strand): 5'-TACTTGGAGGTCTCACAGGTTGTGCCTGTGGAATCACAGGGGGCTGAGCCCCCGGGGCTG[G>T]TAAGGCTGGCTGGTTCCCCAAGATGCCTTGTTTATGTAAACGCGACCTCCGTTTTTCTTC-3'
Protein context (NP_004371.2, residues 676-696): QGILGNQPAL[Pro686Thr]APGAQPPVIP